The following is an entry in ClinVar:

NM_000264.5(PTCH1):c.4165C>T (p.Pro1389Ser)

Gene: PTCH1 (patched 1; minus strand). Cytogenetic location: 9q22.32.
Variant type: single nucleotide variant.
Coding change: c.4165C>T on transcript NM_000264.5 (MANE Select); coding-DNA position 4165, C replaced by T.
Protein change: p.Pro1389Ser; replaces proline 1389 with serine.
Molecular consequence: missense variant. On other transcripts: non-coding transcript variant (1).
Genome position (GRCh38, 1-based): chr9:95,447,091, G>A on the plus strand (C>T on the coding strand, the complement: PTCH1 is on the minus strand). VCF-style: chr9-95447091-G-A. GRCh37 (hg19) VCF-style: chr9-98209373-G-A.
Other names: c.4009C>T, p.Pro1337Ser (NM_001354918.2); c.3967C>T, p.Pro1323Ser (NM_001083602.3); c.4162C>T, p.Pro1388Ser (NM_001083603.3); c.3712C>T, p.Pro1238Ser (NM_001083604.3, NM_001083605.3, NM_001083606.3 and 1 more transcripts); short protein forms P1238S, P1389S, P1323S, P1337S, P1388S.
Identifiers: ClinVar variation 958076 (VCV000958076.11), dbSNP rs1180812915, ClinGen allele CA374110197.

ClinVar aggregate classification (germline): Uncertain significance. Review status: criteria provided, multiple submitters, no conflicts (2 of 4 stars). 2 submissions from 2 submitters: Uncertain significance (2). Last evaluated 2024-09-25.

Conditions:
Gorlin syndrome. Also called: Basal cell nevus syndrome; Nevoid Basal Cell Carcinoma Syndrome. Identifiers: Orphanet 377, MedGen C0004779, MONDO:0007187.
Hereditary cancer-predisposing syndrome. Also called: Hereditary neoplastic syndrome; Tumor predisposition; Neoplastic Syndromes, Hereditary; Hereditary Cancer Syndrome. Identifiers: Orphanet 140162, MedGen C0027672, MeSH D009386, MONDO:0015356.

Allele frequency attached by ClinVar (database versions not stated): gnomAD exomes below 0.00001.
gnomAD v4.1: 2 of 1,613,876 alleles (0.00012%); highest among the groups gnomAD compares: African/African-American, 0.0013%; no homozygotes.

Submissions (2):

Ambry Genetics
Classification: Uncertain significance for Hereditary cancer-predisposing syndrome. Last evaluated: 2024-09-25. Review status: criteria provided, single submitter. Criteria: Ambry Variant Classification Scheme 2023. Collection method: clinical testing. Allele origin: germline.
Comment: The p.P1389S variant (also known as c.4165C>T), located in coding exon 23 of the PTCH1 gene, results from a C to T substitution at nucleotide position 4165. The proline at codon 1389 is replaced by serine, an amino acid with similar properties. This amino acid position is not well conserved in available vertebrate species. In addition, this alteration is predicted to be tolerated by in silico analysis. Based on the available evidence, the clinical significance of this variant remains unclear.

Labcorp Genetics (formerly Invitae), Labcorp
Classification: Uncertain significance for Gorlin syndrome. Last evaluated: 2024-09-12. Review status: criteria provided, single submitter. Criteria: Invitae Variant Classification Sherloc (09022015). Collection method: clinical testing. Allele origin: germline.
Comment: This sequence change replaces proline, which is neutral and non-polar, with serine, which is neutral and polar, at codon 1389 of the PTCH1 protein (p.Pro1389Ser). This variant is present in population databases (no rsID available, gnomAD 0.007%). This variant has not been reported in the literature in individuals affected with PTCH1-related conditions. ClinVar contains an entry for this variant (Variation ID: 958076). Invitae Evidence Modeling of protein sequence and biophysical properties (such as structural, functional, and spatial information, amino acid conservation, physicochemical variation, residue mobility, and thermodynamic stability) indicates that this missense variant is not expected to disrupt PTCH1 protein function with a negative predictive value of 95%. In summary, the available evidence is currently insufficient to determine the role of this variant in disease. Therefore, it has been classified as a Variant of Uncertain Significance.